The following is an entry in ClinVar:

NM_001379081.2(FREM1):c.1184A>C (p.Glu395Ala)

Gene: FREM1 (FRAS1 related extracellular matrix 1; minus strand). Cytogenetic location: 9p22.3.
Variant type: single nucleotide variant.
Coding change: c.1184A>C on transcript NM_001379081.2 (MANE Select); coding-DNA position 1184, A replaced by C.
Protein change: p.Glu395Ala; replaces glutamic acid 395 with alanine.
Molecular consequence: missense variant. On other transcripts: non-coding transcript variant (4).
Genome position (GRCh38, 1-based): chr9:14,848,742, T>G on the plus strand (A>C on the coding strand, the complement: FREM1 is on the minus strand). VCF-style: chr9-14848742-T-G. GRCh37 (hg19) VCF-style: chr9-14848740-T-G.
Other names: c.1211A>C, p.Glu404Ala (NM_001370060.1); c.1184A>C, p.Glu395Ala (NM_001370063.1, NM_001370065.1, NM_144966.7); short protein forms E395A, E404A.
Identifiers: ClinVar variation 786132 (VCV000786132.12), dbSNP rs150070740, ClinGen allele CA4991333.
Genomic context (GRCh38, chr9:14,848,742, plus strand): 5'-CGGGGGGCATTTGTATCTGCTGTTCTGATGGAGATGTGGACTGTCATAGGTGCACTCCTT[T>G]CAAAGAAGAAGTCGTATACCTCCAATTCTACCTGTAAACAAACAGAGGCAAAGGAGCCAC-3'
Protein context (NP_001366010.1, residues 385-405): VELEVYDFFF[Glu395Ala]RSAPMTVHIS

ClinVar aggregate classification (germline): Likely benign. Review status: criteria provided, multiple submitters, no conflicts (2 of 4 stars). 3 submissions from 3 submitters: Likely benign (2). 1 of the submissions does not count toward it. Last evaluated 2025-10-05.

Conditions:
FREM1-related disorder. Also called: FREM1-Related Disorders; FREM1-related condition.

Allele frequency attached by ClinVar (database versions not stated): gnomAD exomes 0.00009 and 0.00029; 1000 Genomes Project 30x 0.00031; ExAC 0.00038; 1000 Genomes Project 0.00040; ESP Exome Variant Server 0.00099; gnomAD 0.00115 and 0.00126; TOPMed 0.00124.
gnomAD v4.1: 305 of 1,612,748 alleles (0.019%); highest among the groups gnomAD compares: African/African-American, 0.35%; 7 homozygotes.

Submissions (3):

Labcorp Genetics (formerly Invitae), Labcorp
Classification: Likely benign. Last evaluated: 2025-10-05. Review status: criteria provided, single submitter. Criteria: Invitae Variant Classification Sherloc (09022015). Collection method: clinical testing. Allele origin: germline.

Blueprint Genetics
Classification: Likely benign. Last evaluated: 2024-01-16. Review status: criteria provided, single submitter. Criteria: ACMG Guidelines, 2015. Collection method: clinical testing. Allele origin: germline.

PreventionGenetics, part of Exact Sciences
Classification: Likely benign for FREM1-related condition. Last evaluated: 2022-08-19. Review status: no assertion criteria provided. Collection method: clinical testing. Allele origin: germline. Not counted in ClinVar's aggregate classification.
Comment: This variant is classified as likely benign based on ACMG/AMP sequence variant interpretation guidelines (Richards et al. 2015 PMID: 25741868, with internal and published modifications).